The following is an entry in ClinVar:

ClinVar aggregate classification (germline): Uncertain significance (1 of 4 stars; one submission).

Conditions:
Neurodegeneration, infantile-onset, with optic atrophy and brain abnormalities. Identifiers: MedGen C5975477, MONDO:0975837.

Submission:

3billion
Classification: Uncertain significance for Neurodegeneration, infantile-onset, with optic atrophy and structural brain abnormalities 1. Last evaluated: 2024-11-25. Review status: criteria provided, single submitter. Criteria: ACMG Guidelines, 2015. Collection method: clinical testing. Allele origin: germline. Affected: yes.
Comment: The variant is not observed in the gnomAD v4.1.0 dataset. Predicted Consequence/Location: Missense variant In silico tool predictions suggest damaging effect of the variant on gene or gene product [REVEL: 0.75 (>=0.6, sensitivity 0.68 and specificity 0.92)]. Therefore, this variant is classified as VUS according to the recommendation of ACMG/AMP guideline.

NM_001145784.2(BORCS8):c.161A>C (p.Gln54Pro)

Genes: BORCS8 (BLOC-1 related complex subunit 8; minus strand), BORCS8-MEF2B (BORCS8-MEF2B readthrough; minus strand). Cytogenetic location: 19p13.11.
Variant type: single nucleotide variant.
Coding change: c.161A>C on transcript NM_001145784.2 (MANE Select); coding-DNA position 161, A replaced by C.
Protein change: p.Gln54Pro; replaces glutamine 54 with proline.
Molecular consequence: missense variant. On other transcripts: non-coding transcript variant (2), intron variant (1).
Genome position (GRCh38, 1-based): chr19:19,186,088, T>G on the plus strand (A>C on the coding strand, the complement: BORCS8 is on the minus strand). VCF-style: chr19-19186088-T-G. GRCh37 (hg19) VCF-style: chr19-19296897-T-G.
Other names: c.161A>C, p.Gln54Pro (NM_001145783.2); c.-216-3405A>C (NM_005919.4); short protein forms Q54P.
Identifiers: ClinVar variation 4292436 (VCV004292436.1).